The following is an entry in ClinVar:

NM_001242898.2(PPP6R2):c.2345G>A (p.Gly782Asp)

Gene: PPP6R2 (protein phosphatase 6 regulatory subunit 2; plus strand). Cytogenetic location: 22q13.33.
Variant type: single nucleotide variant.
Coding change: c.2345G>A on transcript NM_001242898.2 (MANE Select); coding-DNA position 2345, G replaced by A.
Protein change: p.Gly782Asp; replaces glycine 782 with aspartic acid.
Molecular consequence: missense variant.
Genome position (GRCh38, 1-based): chr22:50,440,020, G>A. VCF-style: chr22-50440020-G-A. GRCh37 (hg19) VCF-style: chr22-50878449-G-A.
Other names: c.2267G>A, p.Gly756Asp (NM_001242899.2, NM_001242900.2, NM_001351644.2); c.2348G>A, p.Gly783Asp (NM_001351641.2, NM_001351642.2); c.2345G>A, p.Gly782Asp (NM_001351643.2, NM_001365836.1); c.2264G>A, p.Gly755Asp (NM_001351645.2, NM_014678.5); c.2261G>A, p.Gly754Asp (NM_001351646.2); c.1859G>A, p.Gly620Asp (NM_001351647.2); c.1778G>A, p.Gly593Asp (NM_001351648.2); short protein forms G593D, G620D, G754D, G755D, G756D, G782D, G783D.
Identifiers: ClinVar variation 2653385 (VCV002653385.24), dbSNP rs45484793, ClinGen allele CA10315396.

ClinVar aggregate classification (germline): Likely benign (1 of 4 stars; one submission).

Allele frequency attached by ClinVar (database versions not stated): 1000 Genomes Project 0.00100; 1000 Genomes Project 30x 0.00125; ExAC 0.00437; gnomAD 0.00520; TOPMed 0.00535; ESP Exome Variant Server 0.00608; gnomAD exomes 0.00854.
gnomAD v4.1: 13,160 of 1,613,428 alleles (0.82%); highest among the groups gnomAD compares: Non-Finnish European, 1%; 77 homozygotes.

Submission:

CeGaT Center for Human Genetics Tuebingen
Classification: Likely benign. Last evaluated: 2023-10-01. Review status: criteria provided, single submitter. Criteria: CeGaT Center For Human Genetics Tuebingen Variant Classification Criteria Version 2. Collection method: clinical testing. Allele origin: germline. Affected: yes. Observed: 1 variant allele.
Comment: PPP6R2: BP4, BS2